The following is an entry in ClinVar:

ClinVar aggregate classification (germline): Uncertain significance (1 of 4 stars; one submission).

gnomAD v4.1: 3 of 1,611,152 alleles (0.00019%); highest among the groups gnomAD compares: Non-Finnish European, 0.00025%; no homozygotes.

Submission:

CeGaT Center for Human Genetics Tuebingen
Classification: Uncertain significance. Last evaluated: 2026-09-01. Review status: criteria provided, single submitter. Criteria: CeGaT Center For Human Genetics Tuebingen Variant Classification Criteria Version 2. Collection method: clinical testing. Allele origin: germline. Affected: yes. Observed: 1 variant allele.
Comment: LAMA5: PM2

NM_005560.6(LAMA5):c.9830T>C (p.Phe3277Ser)

Gene: LAMA5 (laminin subunit alpha 5; minus strand). Cytogenetic location: 20q13.33.
Variant type: single nucleotide variant.
Coding change: c.9830T>C on transcript NM_005560.6 (MANE Select); coding-DNA position 9830, T replaced by C.
Protein change: p.Phe3277Ser; replaces phenylalanine 3277 with serine.
Molecular consequence: missense variant.
Genome position (GRCh38, 1-based): chr20:62,311,513, A>G on the plus strand (T>C on the coding strand, the complement: LAMA5 is on the minus strand). VCF-style: chr20-62311513-A-G. GRCh37 (hg19) VCF-style: chr20-60886569-A-G.
Other names: short protein forms F3277S.
Identifiers: ClinVar variation 5041112 (VCV005041112.1).